The following is an entry in ClinVar:

NM_001356.5(DDX3X):c.1541T>C (p.Ile514Thr)

Gene: DDX3X (DEAD-box helicase 3 X-linked; plus strand). Cytogenetic location: Xp11.4.
Variant type: single nucleotide variant.
Coding change: c.1541T>C on transcript NM_001356.5 (MANE Select); coding-DNA position 1541, T replaced by C.
Protein change: p.Ile514Thr; replaces isoleucine 514 with threonine.
Molecular consequence: missense variant. On other transcripts: non-coding transcript variant (1).
Genome position (GRCh38, 1-based): chrX:41,346,548, T>C. VCF-style: chrX-41346548-T-C. GRCh37 (hg19) VCF-style: chrX-41205801-T-C.
Other names: p.I514T:ATC>ACC; c.1541T>C, p.Ile514Thr (NM_001193416.3); c.1493T>C, p.Ile498Thr (NM_001193417.3); c.983T>C, p.Ile328Thr (NM_001363819.1); short protein forms I514T, I498T, I328T.
Identifiers: ClinVar variation 207808 (VCV000207808.16), dbSNP rs796052226, ClinGen allele CA319630.

ClinVar aggregate classification (germline): Pathogenic/Likely pathogenic. Review status: criteria provided, multiple submitters, no conflicts (2 of 4 stars). 9 submissions from 9 submitters: Pathogenic (5); Likely pathogenic (2). 2 of the submissions do not count toward it. Last evaluated 2025-01-01.

Conditions:
Neurodevelopmental abnormality. Identifiers: MedGen C4022737, HP:0012759.
DDX3X-related disorder. Also called: DDX3X-related condition.
Intellectual disability, X-linked 102 (MRXSSB). Also called: Intellectual developmental disorder, X-linked syndromic, Snijders Blok type. Identifiers: Orphanet 457260, MedGen C5393299, MONDO:0010497, OMIM 300958.

Submissions (9):

Center of Human Genetics, Hôpital Erasme
Classification: Likely pathogenic for Intellectual disability, X-linked 102. Last evaluated: 2025-01-01. Review status: criteria provided, single submitter. Criteria: ACMG Guidelines, 2015. Collection method: clinical testing. Allele origin: de novo. Affected: yes.

Labcorp Genetics (formerly Invitae), Labcorp
Classification: Pathogenic. Last evaluated: 2024-06-19. Review status: criteria provided, single submitter. Criteria: Invitae Variant Classification Sherloc (09022015). Collection method: clinical testing. Allele origin: germline.
Comment: This sequence change replaces isoleucine, which is neutral and non-polar, with threonine, which is neutral and polar, at codon 514 of the DDX3X protein (p.Ile514Thr). This variant is not present in population databases (gnomAD no frequency). This missense change has been observed in individual(s) with X-linked intellectual disability (PMID: 26235985). In at least one individual the variant was observed to be de novo. ClinVar contains an entry for this variant (Variation ID: 207808). Algorithms developed to predict the effect of variants on gene product structure and function are not available or were not evaluated for this variant. Experimental studies have shown that this missense change affects DDX3X function (PMID: 32135084). For these reasons, this variant has been classified as Pathogenic.

Blueprint Genetics
Classification: Pathogenic for DDX3X-related disorders. Last evaluated: 2024-03-18. Review status: criteria provided, single submitter. Criteria: ACMG Guidelines, 2015. Collection method: clinical testing. Allele origin: de novo. Affected: yes. Observed: 1 variant allele.

Revvity Omics, Revvity
Classification: Likely pathogenic for Intellectual disability, X-linked 102. Last evaluated: 2023-10-10. Review status: criteria provided, single submitter. Criteria: ACMG Guidelines, 2015. Collection method: clinical testing. Allele origin: germline.

GeneDx
Classification: Pathogenic. Last evaluated: 2023-04-19. Review status: criteria provided, single submitter. Criteria: GeneDx Variant Classification Process June 2021. Collection method: clinical testing. Allele origin: germline. Affected: yes.
Comment: Not observed at significant frequency in large population cohorts (gnomAD); In silico analysis supports that this missense variant has a deleterious effect on protein structure/function; This variant is associated with the following publications: (PMID: 26235985, 34426522, 32135084, 35032046)

Institute for Medical Genetics and Human Genetics, Charité - Universitätsmedizin Berlin
Classification: Pathogenic for Intellectual disability, X-linked 102. Last evaluated: 2022-09-27. Review status: criteria provided, single submitter. Criteria: ACMG Guidelines, 2015. Collection method: clinical testing. Allele origin: germline. Inheritance: X-linked dominant inheritance. Affected: yes. Observed: 1 heterozygote.

Institute of Medical Genetics and Applied Genomics, University Hospital Tübingen
Classification: Pathogenic. Last evaluated: 2020-10-23. Review status: criteria provided, single submitter. Criteria: ACMG Guidelines, 2015. Collection method: clinical testing. Allele origin: germline. Inheritance: Unknown mechanism. Affected: yes.

Department of Genetics, Rouen University Hospital, Normandy Center for Genomic and Personalized Medicine
Classification: Pathogenic for Neurodevelopmental abnormality. Last evaluated: 2020-06-04. Review status: no assertion criteria provided. Collection method: clinical testing. Allele origin: de novo. Affected: yes. Not counted in ClinVar's aggregate classification.

Laboratory of Molecular Genetics (Pr. Bezieau's lab), CHU de Nantes
Classification: Pathogenic. Last evaluated: 2016-11-04. Review status: no assertion criteria provided. Collection method: clinical testing. Allele origin: germline. Affected: yes. Not counted in ClinVar's aggregate classification.

Literature cited by the submitters: PubMed 26235985 (cited by Labcorp Genetics (formerly Invitae), Labcorp); PubMed 32135084 (cited by Labcorp Genetics (formerly Invitae), Labcorp).